The following is an entry in ClinVar:

NM_017882.3(CLN6):c.328C>T (p.Arg110Cys)

Gene: CLN6 (CLN6 transmembrane ER protein; minus strand). Cytogenetic location: 15q23.
Variant type: single nucleotide variant.
Coding change: c.328C>T on transcript NM_017882.3 (MANE Select); coding-DNA position 328, C replaced by T.
Protein change: p.Arg110Cys; replaces arginine 110 with cysteine.
Molecular consequence: missense variant.
Genome position (GRCh38, 1-based): chr15:68,211,833, G>A on the plus strand (C>T on the coding strand, the complement: CLN6 is on the minus strand). VCF-style: chr15-68211833-G-A. GRCh37 (hg19) VCF-style: chr15-68504171-G-A.
Other names: short protein forms R110C.
Identifiers: ClinVar variation 968495 (VCV000968495.11), dbSNP rs143928329, ClinGen allele CA7630623.

ClinVar aggregate classification (germline): Uncertain significance. Review status: criteria provided, multiple submitters, no conflicts (2 of 4 stars). 4 submissions from 4 submitters: Uncertain significance (4). Last evaluated 2025-09-19.

Conditions:
Neuronal ceroid lipofuscinosis. Also called: Neuronal Ceroid Lipofuscinoses. Identifiers: Orphanet 216, Orphanet 79263, MedGen C0027877, MONDO:0016295. Disease mechanism: loss of function.

Allele frequency attached by ClinVar (database versions not stated): gnomAD 0.00003 and 0.00004; ExAC 0.00007; ESP Exome Variant Server 0.00008; 1000 Genomes Project 30x 0.00016; TOPMed 0.00005; gnomAD exomes 0.00006 and 0.00003; 1000 Genomes Project 0.00020.

Submissions (4):

GeneDx
Classification: Uncertain significance. Last evaluated: 2025-09-19. Review status: criteria provided, single submitter. Criteria: GeneDx Variant Classification Process June 2021. Collection method: clinical testing. Allele origin: germline.
Comment: In silico analysis supports that this missense variant has a deleterious effect on protein structure/function; This variant is associated with the following publications: (PMID: 35482158, 34867278)

Blueprint Genetics
Classification: Uncertain significance. Last evaluated: 2024-10-15. Review status: criteria provided, single submitter. Criteria: ACMG Guidelines, 2015. Collection method: clinical testing. Allele origin: germline.

Labcorp Genetics (formerly Invitae), Labcorp
Classification: Uncertain significance for Neuronal ceroid lipofuscinosis. Last evaluated: 2024-10-14. Review status: criteria provided, single submitter. Criteria: Invitae Variant Classification Sherloc (09022015). Collection method: clinical testing. Allele origin: germline.
Comment: This sequence change replaces arginine, which is basic and polar, with cysteine, which is neutral and slightly polar, at codon 110 of the CLN6 protein (p.Arg110Cys). This variant is present in population databases (rs143928329, gnomAD 0.06%). This missense change has been observed in individual(s) with clinical features of CLN6-related conditions (PMID: 35482158). ClinVar contains an entry for this variant (Variation ID: 968495). Invitae Evidence Modeling of protein sequence and biophysical properties (such as structural, functional, and spatial information, amino acid conservation, physicochemical variation, residue mobility, and thermodynamic stability) indicates that this missense variant is not expected to disrupt CLN6 protein function with a negative predictive value of 80%. In summary, the available evidence is currently insufficient to determine the role of this variant in disease. Therefore, it has been classified as a Variant of Uncertain Significance.

Mayo Clinic Laboratories, Mayo Clinic
Classification: Uncertain significance. Last evaluated: 2019-07-22. Review status: criteria provided, single submitter. Criteria: ACMG Guidelines, 2015. Collection method: clinical testing. Allele origin: germline. Observed: 1 variant allele.

Literature cited by the submitters: PubMed 35482158 (cited by Labcorp Genetics (formerly Invitae), Labcorp).